The following is an entry in ClinVar:

ClinVar aggregate classification (germline): Uncertain significance (1 of 4 stars; one submission).

Conditions:
Hypertrophic cardiomyopathy. Also called: HYPERTROPHIC MYOCARDIOPATHY. Identifiers: Orphanet 217569, MedGen C0007194, MeSH D002312, MONDO:0005045, HP:0001639.

Submission:

Labcorp Genetics (formerly Invitae), Labcorp
Classification: Uncertain significance for Hypertrophic cardiomyopathy. Last evaluated: 2025-08-01. Review status: criteria provided, single submitter. Criteria: Invitae Variant Classification Sherloc (09022015). Collection method: clinical testing. Allele origin: germline.
Comment: This sequence change replaces glycine, which is neutral and non-polar, with serine, which is neutral and polar, at codon 839 of the MYBPC3 protein (p.Gly839Ser). This variant is not present in population databases (gnomAD no frequency). This variant has not been reported in the literature in individuals affected with MYBPC3-related conditions. ClinVar contains an entry for this variant (Variation ID: 1906441). An algorithm developed to predict the effect of missense changes on protein structure and function (PolyPhen-2) suggests that this variant is likely to be disruptive. In summary, the available evidence is currently insufficient to determine the role of this variant in disease. Therefore, it has been classified as a Variant of Uncertain Significance.

NM_000256.3(MYBPC3):c.2515G>A (p.Gly839Ser)

Gene: MYBPC3 (myosin binding protein C3; minus strand). Cytogenetic location: 11p11.2.
Variant type: single nucleotide variant.
Coding change: c.2515G>A on transcript NM_000256.3 (MANE Select); coding-DNA position 2515, G replaced by A.
Protein change: p.Gly839Ser; replaces glycine 839 with serine.
Molecular consequence: missense variant.
Genome position (GRCh38, 1-based): chr11:47,337,478, C>T on the plus strand (G>A on the coding strand, the complement: MYBPC3 is on the minus strand). VCF-style: chr11-47337478-C-T. GRCh37 (hg19) VCF-style: chr11-47359029-C-T.
Other names: short protein forms G839S.
Identifiers: ClinVar variation 1906441 (VCV001906441.5), dbSNP rs1245181376, ClinGen allele CA050296.